The following is an entry in ClinVar:

NM_153240.5(NPHP3):c.3964_3966del (p.Asn1322del)

Genes: NPHP3-ACAD11 (NPHP3-ACAD11 readthrough (NMD candidate); minus strand), NPHP3 (nephrocystin 3; minus strand). Cytogenetic location: 3q22.1.
Variant type: Deletion.
Coding change: c.3964_3966del on transcript NM_153240.5 (MANE Select); coding-DNA positions 3964 to 3966, 3 bases deleted (AAT; older notation c.3964_3966delAAT).
Protein change: p.Asn1322del; deletes asparagine 1322.
Molecular consequence: inframe deletion. On other transcripts: non-coding transcript variant (1).
Genome position (GRCh38, 1-based): chr3:132,681,937-132,681,939, ATT deleted on the plus strand (AAT on the coding strand, the reverse complement: NPHP3 is on the minus strand); deleting any 3 consecutive bases within chr3:132,681,937-132,681,940 gives the same sequence; the c. name uses the placement nearest the transcript's 3' end. VCF-style (leftmost placement, unchanged base first): chr3-132681936-CATT-C. GRCh37 (hg19) VCF-style: chr3-132400780-CATT-C.
Other names: short protein forms N1322del.
Identifiers: ClinVar variation 594171 (VCV000594171.20), dbSNP rs779824626, ClinGen allele CA2621595.

ClinVar aggregate classification (germline): Uncertain significance. Review status: criteria provided, multiple submitters, no conflicts (2 of 4 stars). 5 submissions from 5 submitters: Uncertain significance (5). Last evaluated 2023-03-31.

Conditions:
Nephronophthisis. Also called: Juvenile Nephronophthisis. Identifiers: Orphanet 655, MedGen C0687120, MONDO:0019005, HP:0000090.

Submissions (5):

Genetic Services Laboratory, University of Chicago
Classification: Uncertain significance. Last evaluated: 2023-03-31. Review status: criteria provided, single submitter. Criteria: ACMG Guidelines, 2015. Collection method: clinical testing. Allele origin: germline. Affected: no.
Comment: DNA sequence analysis of the NPHP3 demonstrated a three base pair deletion in exon 27, c.3964_3966del. This in-frame deletion is predicted to result in the deletion of one amino acid residue, p.Asn1322del. This deletion has been described in the gnomAD database with a frequency of 0.0035% in the non-Finnish European subpopulation (dbSNP rs779824626). This deletion does not appear to have been previously described in individuals with NPHP3-related disorders. The functional significance of this sequence change is not known at present.

Labcorp Genetics (formerly Invitae), Labcorp
Classification: Uncertain significance for Nephronophthisis. Last evaluated: 2022-08-22. Review status: criteria provided, single submitter. Criteria: Invitae Variant Classification Sherloc (09022015). Collection method: clinical testing. Allele origin: germline.
Comment: In summary, the available evidence is currently insufficient to determine the role of this variant in disease. Therefore, it has been classified as a Variant of Uncertain Significance. Experimental studies and prediction algorithms are not available or were not evaluated, and the functional significance of this variant is currently unknown. This variant, c.3964_3966del, results in the deletion of 1 amino acid(s) of the NPHP3 protein (p.Asn1322del), but otherwise preserves the integrity of the reading frame. This variant is present in population databases (rs779824626, gnomAD 0.004%). This variant has not been reported in the literature in individuals affected with NPHP3-related conditions. ClinVar contains an entry for this variant (Variation ID: 594171).

Revvity Omics, Revvity
Classification: Uncertain significance. Last evaluated: 2022-07-07. Review status: criteria provided, single submitter. Criteria: ACMG Guidelines, 2015. Collection method: clinical testing. Allele origin: germline.

GeneDx
Classification: Uncertain significance. Last evaluated: 2019-02-27. Review status: criteria provided, single submitter. Criteria: GeneDx Variant Classification Process June 2021. Collection method: clinical testing. Allele origin: germline. Affected: yes.
Comment: Not observed at a significant frequency in large population cohorts (Lek et al., 2016); In-frame deletion of 1 amino acids in a non-repeat region; In silico analysis, which includes protein predictors and evolutionary conservation, supports that this variant does not alter protein structure/function; Has not been previously published as pathogenic or benign to our knowledge

Eurofins Ntd Llc (ga)
Classification: Uncertain significance. Last evaluated: 2017-09-29. Review status: criteria provided, single submitter. Criteria: EGL Classification Definitions 2015. Collection method: clinical testing. Allele origin: germline. Observed: 1 variant allele, 1 heterozygote.